The following is an entry in ClinVar:

NM_012232.6(CAVIN1):c.405C>G (p.Ile135Met)

Gene: CAVIN1 (caveolae associated protein 1; minus strand). Cytogenetic location: 17q21.2.
Variant type: single nucleotide variant.
Coding change: c.405C>G on transcript NM_012232.6 (MANE Select); coding-DNA position 405, C replaced by G.
Protein change: p.Ile135Met; replaces isoleucine 135 with methionine.
Molecular consequence: missense variant.
Genome position (GRCh38, 1-based): chr17:42,422,693, G>C on the plus strand (C>G on the coding strand, the complement: CAVIN1 is on the minus strand). VCF-style: chr17-42422693-G-C. GRCh37 (hg19) VCF-style: chr17-40574711-G-C.
Other names: p.Ile135Met; short protein forms I135M.
Identifiers: ClinVar variation 1806946 (VCV001806946.3), dbSNP rs1464405223, ClinGen allele CA399591371.
Genomic context (GRCh38, chr17:42,422,693, plus strand): 5'-GATCATGACTTTAAAGTTGCGGCGCCGCAGCAGCTCGGCCTCGTTGACCTCCAGCTTCTT[G>C]ATCTGCCCCGCCTGGCGCTCCAGGCTGCCGCGCACGGTCTTCACGTTGACGCTGACCTTG-3'
Protein context (NP_036364.2, residues 125-145): RGSLERQAGQ[Ile135Met]KKLEVNEAEL

ClinVar aggregate classification (germline): Uncertain significance. Review status: criteria provided, multiple submitters, no conflicts (2 of 4 stars). 3 submissions from 3 submitters: Uncertain significance (3). Last evaluated 2025-08-31.

Allele frequency attached by ClinVar (database versions not stated): TOPMed 0.00001; gnomAD exomes 0.00001.

Submissions (3):

Mayo Clinic Laboratories, Mayo Clinic
Classification: Uncertain significance. Last evaluated: 2025-08-31. Review status: criteria provided, single submitter. Criteria: ACMG Guidelines, 2015. Collection method: clinical testing. Allele origin: germline. Observed: 1 variant allele.
Comment: PM2_supporting

Athena Diagnostics
Classification: Uncertain significance. Last evaluated: 2022-02-28. Review status: criteria provided, single submitter. Criteria: Athena Diagnostics Criteria. Collection method: clinical testing. Allele origin: unknown.

Ambry Genetics
Classification: Uncertain significance. Last evaluated: 2021-10-12. Review status: criteria provided, single submitter. Criteria: Ambry Variant Classification Scheme 2023. Collection method: clinical testing. Allele origin: germline.